The following is an entry in ClinVar:

ClinVar aggregate classification (germline): Uncertain significance (1 of 4 stars; one submission).

Conditions:
Familial cancer of breast. Also called: BREAST CANCER, FAMILIAL; hereditary breast carcinoma; Hereditary breast cancer. Identifiers: Orphanet 227535, MedGen C0346153, MONDO:0016419, OMIM 114480. Disease mechanism: loss of function.

Submission:

Labcorp Genetics (formerly Invitae), Labcorp
Classification: Uncertain significance for Familial cancer of breast. Last evaluated: 2023-06-28. Review status: criteria provided, single submitter. Criteria: Invitae Variant Classification Sherloc (09022015). Collection method: clinical testing. Allele origin: germline.
Comment: This variant has not been reported in the literature in individuals affected with PALB2-related conditions. This variant is not present in population databases (gnomAD no frequency). This sequence change replaces lysine, which is basic and polar, with glutamine, which is neutral and polar, at codon 899 of the PALB2 protein (p.Lys899Gln). Advanced modeling of protein sequence and biophysical properties (such as structural, functional, and spatial information, amino acid conservation, physicochemical variation, residue mobility, and thermodynamic stability) performed at Invitae indicates that this missense variant is expected to disrupt PALB2 protein function. In summary, the available evidence is currently insufficient to determine the role of this variant in disease. Therefore, it has been classified as a Variant of Uncertain Significance.

NM_024675.4(PALB2):c.2695A>C (p.Lys899Gln)

Gene: PALB2 (partner and localizer of BRCA2; minus strand). Cytogenetic location: 16p12.2.
Variant type: single nucleotide variant.
Coding change: c.2695A>C on transcript NM_024675.4 (MANE Select); coding-DNA position 2695, A replaced by C.
Protein change: p.Lys899Gln; replaces lysine 899 with glutamine.
Molecular consequence: missense variant. On other transcripts: intron variant (3).
Genome position (GRCh38, 1-based): chr16:23,626,289, T>G on the plus strand (A>C on the coding strand, the complement: PALB2 is on the minus strand). VCF-style: chr16-23626289-T-G. GRCh37 (hg19) VCF-style: chr16-23637610-T-G.
Other names: c.2635A>C, p.Lys879Gln (NM_001407296.1); c.2623A>C, p.Lys875Gln (NM_001407297.1); c.2695A>C, p.Lys899Gln (NM_001407299.1, NM_001407300.1, NM_001407301.1); c.1810A>C, p.Lys604Gln (NM_001407304.1, NM_001407305.1, NM_001407306.1 and 4 more transcripts); c.907A>C, p.Lys303Gln (NM_001407312.1, NM_001407313.1); c.229A>C, p.Lys77Gln (NM_001407314.1); c.2587-2195A>C (NM_001407302.1, NM_001407298.1); c.1702-2195A>C (NM_001407307.1); short protein forms K879Q, K303Q, K77Q, K875Q, K899Q, K604Q.
Identifiers: ClinVar variation 2848653 (VCV002848653.3), dbSNP rs2506370492, ClinGen allele CA395121966.